The following is an entry in ClinVar:

ClinVar aggregate classification (germline): Likely benign. Review status: criteria provided, multiple submitters, no conflicts (2 of 4 stars). 3 submissions from 3 submitters: Likely benign (2). 1 of the submissions does not count toward it. Last evaluated 2025-12-17.

Conditions:
PCDH12-related disorder. Also called: PCDH12-related condition.

Submissions (3):

Labcorp Genetics (formerly Invitae), Labcorp
Classification: Likely benign. Last evaluated: 2025-12-17. Review status: criteria provided, single submitter. Criteria: Invitae Variant Classification Sherloc (09022015). Collection method: clinical testing. Allele origin: germline.

Blueprint Genetics
Classification: Likely benign. Last evaluated: 2024-11-21. Review status: criteria provided, single submitter. Criteria: ACMG Guidelines, 2015. Collection method: clinical testing. Allele origin: germline.

PreventionGenetics, part of Exact Sciences
Classification: Likely benign for PCDH12-related condition. Last evaluated: 2020-10-08. Review status: no assertion criteria provided. Collection method: clinical testing. Allele origin: germline. Not counted in ClinVar's aggregate classification.
Comment: This variant is classified as likely benign based on ACMG/AMP sequence variant interpretation guidelines (Richards et al. 2015 PMID: 25741868, with internal and published modifications).

NM_016580.4(PCDH12):c.3528CAG[5] (p.Ser1181del)

Gene: PCDH12 (protocadherin 12; minus strand). Cytogenetic location: 5q31.3.
Variant type: Microsatellite.
Coding change: c.3528CAG[5] on transcript NM_016580.4 (MANE Select); five copies in a row of the 3-base unit CAG starting at c.3528; the reference has six copies in a row; one copy, 3 bases deleted.
Protein change: p.Ser1181del; deletes serine 1181.
Molecular consequence: inframe deletion.
Genome position (GRCh38, 1-based): chr5:141,945,391-141,945,393, CTG deleted on the plus strand (CAG on the coding strand, the reverse complement: PCDH12 is on the minus strand); deleting any 3 consecutive bases within chr5:141,945,391-141,945,409 gives the same sequence; the position shown is the placement nearest the transcript's 3' end. VCF-style (leftmost placement, unchanged base first): chr5-141945390-CCTG-C. GRCh37 (hg19) VCF-style: chr5-141324955-CCTG-C.
Other names: c.3543_3545delCAG (NM_016580.3); short protein forms S1181del.
Identifiers: ClinVar variation 1633528 (VCV001633528.11), dbSNP rs5871792, ClinGen allele CA3483912.